The following is an entry in ClinVar:

ClinVar aggregate classification (germline): Uncertain significance. Review status: criteria provided, multiple submitters, no conflicts (2 of 4 stars). 2 submissions from 2 submitters: Uncertain significance (2). Last evaluated 2022-10-24.

Conditions:
Retinitis pigmentosa 33 (RP33). Identifiers: Orphanet 791, MedGen C1835895, MONDO:0012477, OMIM 610359.

Submissions (2):

Labcorp Genetics (formerly Invitae), Labcorp
Classification: Uncertain significance. Last evaluated: 2022-10-24. Review status: criteria provided, single submitter. Criteria: Invitae Variant Classification Sherloc (09022015). Collection method: clinical testing. Allele origin: germline.
Comment: Advanced modeling of protein sequence and biophysical properties (such as structural, functional, and spatial information, amino acid conservation, physicochemical variation, residue mobility, and thermodynamic stability) performed at Invitae indicates that this missense variant is expected to disrupt SNRNP200 protein function. In summary, the available evidence is currently insufficient to determine the role of this variant in disease. Therefore, it has been classified as a Variant of Uncertain Significance. ClinVar contains an entry for this variant (Variation ID: 1687526). This variant has not been reported in the literature in individuals affected with SNRNP200-related conditions. This variant is not present in population databases (gnomAD no frequency). This sequence change replaces isoleucine, which is neutral and non-polar, with asparagine, which is neutral and polar, at codon 539 of the SNRNP200 protein (p.Ile539Asn).

3billion
Classification: Uncertain significance for Retinitis pigmentosa 33. Last evaluated: 2022-05-22. Review status: criteria provided, single submitter. Criteria: ACMG Guidelines, 2015. Collection method: clinical testing. Allele origin: germline. Affected: yes. Observed: 1 heterozygote.
Comment: The variant is not observed in the gnomAD v2.1.1 dataset. Missense changes are a common disease-causing mechanism. In silico tool predictions suggest damaging effect of the variant on gene or gene product (REVEL: 0.76; 3Cnet: 0.70). Therefore, this variant is classified as uncertain significanceaccording to the recommendation of ACMG/AMP guideline.

NM_014014.5(SNRNP200):c.1616T>A (p.Ile539Asn)

Gene: SNRNP200 (small nuclear ribonucleoprotein U5 subunit 200; minus strand). Cytogenetic location: 2q11.2.
Variant type: single nucleotide variant.
Coding change: c.1616T>A on transcript NM_014014.5 (MANE Select); coding-DNA position 1616, T replaced by A.
Protein change: p.Ile539Asn; replaces isoleucine 539 with asparagine.
Molecular consequence: missense variant.
Genome position (GRCh38, 1-based): chr2:96,296,591, A>T on the plus strand (T>A on the coding strand, the complement: SNRNP200 is on the minus strand). VCF-style: chr2-96296591-A-T. GRCh37 (hg19) VCF-style: chr2-96962329-A-T.
Other names: short protein forms I539N.
Identifiers: ClinVar variation 1687526 (VCV001687526.6), dbSNP rs2104356680, ClinGen allele CA347682034.